The following is an entry in ClinVar:

NM_004795.4(KL):c.2012G>T (p.Arg671Leu)

Gene: KL (klotho; plus strand). Cytogenetic location: 13q13.1.
Variant type: single nucleotide variant.
Coding change: c.2012G>T on transcript NM_004795.4 (MANE Select); coding-DNA position 2012, G replaced by T.
Protein change: p.Arg671Leu; replaces arginine 671 with leucine.
Molecular consequence: missense variant.
Genome position (GRCh38, 1-based): chr13:33,061,091, G>T. VCF-style: chr13-33061091-G-T. GRCh37 (hg19) VCF-style: chr13-33635228-G-T.
Other names: short protein forms R671L.
Identifiers: ClinVar variation 2785972 (VCV002785972.3), dbSNP rs750131236, ClinGen allele CA387795467.

ClinVar aggregate classification (germline): Uncertain significance (1 of 4 stars; one submission).

gnomAD v4.1: 1 of 1,613,756 alleles (0.000062%); highest among the groups gnomAD compares: African/African-American, 0.0013%; no homozygotes.

Submission:

Labcorp Genetics (formerly Invitae), Labcorp
Classification: Uncertain significance. Last evaluated: 2023-08-17. Review status: criteria provided, single submitter. Criteria: Invitae Variant Classification Sherloc (09022015). Collection method: clinical testing. Allele origin: germline.
Comment: This sequence change replaces arginine, which is basic and polar, with leucine, which is neutral and non-polar, at codon 671 of the KL protein (p.Arg671Leu). This variant is not present in population databases (gnomAD no frequency). This variant has not been reported in the literature in individuals affected with KL-related conditions. Advanced modeling of protein sequence and biophysical properties (such as structural, functional, and spatial information, amino acid conservation, physicochemical variation, residue mobility, and thermodynamic stability) has been performed at Invitae for this missense variant, however the output from this modeling did not meet the statistical confidence thresholds required to predict the impact of this variant on KL protein function. In summary, the available evidence is currently insufficient to determine the role of this variant in disease. Therefore, it has been classified as a Variant of Uncertain Significance.